The following is an entry in ClinVar:

NM_006439.5(MAB21L2):c.977T>C (p.Leu326Pro)

Genes: LRBA (LPS responsive beige-like anchor protein; minus strand), MAB21L2 (mab-21 like 2; plus strand). Cytogenetic location: 4q31.3.
Variant type: single nucleotide variant.
Coding change: c.977T>C on transcript NM_006439.5 (MANE Select); coding-DNA position 977, T replaced by C.
Protein change: p.Leu326Pro; replaces leucine 326 with proline.
Molecular consequence: missense variant. On other transcripts: intron variant (6).
Genome position (GRCh38, 1-based): chr4:150,584,006, T>C. VCF-style: chr4-150584006-T-C. GRCh37 (hg19) VCF-style: chr4-151505158-T-C.
Other names: c.6330+4042A>G (NM_001367550.1, NM_001199282.3, NM_001364905.1 and 1 more transcripts); c.6363+4042A>G (NM_006726.5, NM_001440430.1); short protein forms L326P.
Identifiers: ClinVar variation 450889 (VCV000450889.3), dbSNP rs1554059984, ClinGen allele CA358604467.
Genomic context (GRCh38, chr4:150,584,006, plus strand): 5'-AGCTCATCTCCTGCCTGCAGTGCCGCCGCTGCCCTCACTACTTTCTGCCCAACCTCGACC[T>C]CTTTCAGGGCAAGCCCCATTCGGCCCTGGAGAGCGCTGCCAAGCAGACCTGGAGGTTGGC-3'
Protein context (NP_006430.1, residues 316-336): CPHYFLPNLD[Leu326Pro]FQGKPHSALE

ClinVar aggregate classification (germline): Uncertain significance (1 of 4 stars; one submission).

Submission:

GeneDx
Classification: Uncertain significance. Last evaluated: 2019-09-17. Review status: criteria provided, single submitter. Criteria: GeneDx Variant Classification Process June 2021. Collection method: clinical testing. Allele origin: germline. Affected: yes.
Comment: Not observed in large population cohorts (Lek et al., 2016); In silico analysis, which includes protein predictors and evolutionary conservation, supports a deleterious effect; Has not been previously published as pathogenic or benign to our knowledge